The following is an entry in ClinVar:

ClinVar aggregate classification (germline): Pathogenic (1 of 4 stars; one submission).

Submission:

Labcorp Genetics (formerly Invitae), Labcorp
Classification: Pathogenic. Last evaluated: 2021-06-11. Review status: criteria provided, single submitter. Criteria: Invitae Variant Classification Sherloc (09022015). Collection method: clinical testing. Allele origin: germline.
Comment: This sequence change creates a premature translational stop signal (p.Trp134*) in the GJB2 gene. While this is not anticipated to result in nonsense mediated decay, it is expected to disrupt the last 93 amino acid(s) of the GJB2 protein. This variant is not present in population databases (ExAC no frequency). This variant has been observed in individual(s) with GJB2-related conditions (PMID: 17666888). This variant disrupts the C-terminus of the GJB2 protein. Other variant(s) that disrupt this region (p.Cys211Leufs*5) have been determined to be pathogenic (PMID: 20863150, 9529365, 12910486). This suggests that variants that disrupt this region of the protein are likely to be causative of disease. For these reasons, this variant has been classified as Pathogenic.

Literature cited by the submitters: PubMed 17666888; PubMed 20863150; PubMed 9529365; PubMed 12910486.

NM_004004.6(GJB2):c.402del (p.Trp133_Trp134insTer)

Gene: GJB2 (gap junction protein beta 2; minus strand). Cytogenetic location: 13q12.11.
Variant type: Deletion.
Coding change: c.402del on transcript NM_004004.6 (MANE Select); coding-DNA position 402, one base deleted (G; older notation c.402delG).
Protein change: p.Trp133_Trp134insTer.
Molecular consequence: nonsense.
Genome position (GRCh38, 1-based): chr13:20,189,180, C deleted on the plus strand (G on the coding strand, the reverse complement: GJB2 is on the minus strand); the first of 2 consecutive C bases (chr13:20,189,180-20,189,181); deleting either gives the same sequence. VCF-style (leftmost placement, unchanged base first): chr13-20189179-TC-T. GRCh37 (hg19) VCF-style: chr13-20763318-TC-T.
Identifiers: ClinVar variation 1458345 (VCV001458345.8), dbSNP rs1195692356, ClinGen allele CA483153980.